The following is an entry in ClinVar:

NM_004006.3(DMD):c.3432+4T>C

Gene: DMD (dystrophin; minus strand). Cytogenetic location: Xp21.1.
Variant type: single nucleotide variant.
Coding change: c.3432+4T>C on transcript NM_004006.3 (MANE Select); 4 bases into the intron after coding-DNA position 3432, T replaced by C.
Molecular consequence: intron variant.
Genome position (GRCh38, 1-based): chrX:32,463,435, A>G on the plus strand (T>C on the coding strand, the complement: DMD is on the minus strand). VCF-style: chrX-32463435-A-G. GRCh37 (hg19) VCF-style: chrX-32481552-A-G.
Other names: c.3408+4T>C (NM_000109.4); c.3420+4T>C (NM_004009.3); c.3063+4T>C (NM_004010.3).
Identifiers: ClinVar variation 3641541 (VCV003641541.2).

ClinVar aggregate classification (germline): Uncertain significance (1 of 4 stars; one submission).

Conditions:
Duchenne muscular dystrophy (DMD). Also called: MUSCULAR DYSTROPHY, PSEUDOHYPERTROPHIC PROGRESSIVE, DUCHENNE TYPE; Duchenne Muscular Dystrophy (DMD). Identifiers: Orphanet 98896, MedGen C0013264, MONDO:0010679, OMIM 310200.

Submission:

Labcorp Genetics (formerly Invitae), Labcorp
Classification: Uncertain significance for Duchenne muscular dystrophy. Last evaluated: 2024-05-07. Review status: criteria provided, single submitter. Criteria: Invitae Variant Classification Sherloc (09022015). Collection method: clinical testing. Allele origin: germline.
Comment: This sequence change falls in intron 25 of the DMD gene. It does not directly change the encoded amino acid sequence of the DMD protein. It affects a nucleotide within the consensus splice site. This variant is not present in population databases (gnomAD no frequency). This variant has not been reported in the literature in individuals affected with DMD-related conditions. Variants that disrupt the consensus splice site are a relatively common cause of aberrant splicing (PMID: 17576681, 9536098). Algorithms developed to predict the effect of sequence changes on RNA splicing suggest that this variant is not likely to affect RNA splicing. In summary, the available evidence is currently insufficient to determine the role of this variant in disease. Therefore, it has been classified as a Variant of Uncertain Significance.

Literature cited by the submitters: PubMed 17576681; PubMed 9536098.